The following is an entry in ClinVar:

NM_000414.4(HSD17B4):c.241A>G (p.Lys81Glu)

Gene: HSD17B4 (hydroxysteroid 17-beta dehydrogenase 4; plus strand). Cytogenetic location: 5q23.1.
Variant type: single nucleotide variant.
Coding change: c.241A>G on transcript NM_000414.4 (MANE Select); coding-DNA position 241, A replaced by G.
Protein change: p.Lys81Glu; replaces lysine 81 with glutamic acid.
Molecular consequence: missense variant. On other transcripts: 5 prime UTR variant (6), non-coding transcript variant (2).
Genome position (GRCh38, 1-based): chr5:119,474,421, A>G. VCF-style: chr5-119474421-A-G. GRCh37 (hg19) VCF-style: chr5-118810116-A-G.
Other names: c.316A>G, p.Lys106Glu (NM_001199291.3); c.187A>G, p.Lys63Glu (NM_001199292.2); c.169A>G, p.Lys57Glu (NM_001292027.2); c.-171A>G (NM_001292028.2, NM_001374501.1, NM_001374502.1 and 1 more transcripts); c.241A>G, p.Lys81Glu (NM_001374497.1, NM_001374498.1); c.-40A>G (NM_001374499.1); c.-298A>G (NM_001374500.1); short protein forms K106E, K81E, K57E, K63E.
Identifiers: ClinVar variation 1487157 (VCV001487157.7), dbSNP rs1026521515, ClinGen allele CA125858066.

ClinVar aggregate classification (germline): Uncertain significance (1 of 4 stars; one submission).

Conditions:
Bifunctional peroxisomal enzyme deficiency (DBIF). Also called: DBP DEFICIENCY; D-bifunctional protein deficiency; PBFE DEFICIENCY. Identifiers: Orphanet 300, MedGen C0342870, MONDO:0009855, OMIM 261515. Disease mechanism: loss of function.
Perrault syndrome. Also called: Gonadal dysgenesis with auditory dysfunction, autosomal recessive inheritance. Identifiers: Orphanet 2855, MedGen C0685838, MONDO:0017312.

Allele frequency attached by ClinVar (database versions not stated): gnomAD exomes below 0.00001; gnomAD 0.00002 and 0.00003; TOPMed 0.00003.
gnomAD v4.1: 9 of 1,610,392 alleles (0.00056%); highest among the groups gnomAD compares: African/African-American, 0.011%; no homozygotes.

Submission:

Labcorp Genetics (formerly Invitae), Labcorp
Classification: Uncertain significance for Perrault syndrome; Bifunctional peroxisomal enzyme deficiency. Last evaluated: 2025-02-19. Review status: criteria provided, single submitter. Criteria: Invitae Variant Classification Sherloc (09022015). Collection method: clinical testing. Allele origin: germline.
Comment: This sequence change replaces lysine, which is basic and polar, with glutamic acid, which is acidic and polar, at codon 81 of the HSD17B4 protein (p.Lys81Glu). This variant is present in population databases (no rsID available, gnomAD 0.01%). This variant has not been reported in the literature in individuals affected with HSD17B4-related conditions. ClinVar contains an entry for this variant (Variation ID: 1487157). Invitae Evidence Modeling of protein sequence and biophysical properties (such as structural, functional, and spatial information, amino acid conservation, physicochemical variation, residue mobility, and thermodynamic stability) has been performed for this missense variant. However, the output from this modeling did not meet the statistical confidence thresholds required to predict the impact of this variant on HSD17B4 protein function. In summary, the available evidence is currently insufficient to determine the role of this variant in disease. Therefore, it has been classified as a Variant of Uncertain Significance.